The following is an entry in ClinVar:

NM_000441.2(SLC26A4):c.676G>A (p.Ala226Thr)

Gene: SLC26A4 (solute carrier family 26 member 4; plus strand). Cytogenetic location: 7q22.3.
Variant type: single nucleotide variant.
Coding change: c.676G>A on transcript NM_000441.2 (MANE Select); coding-DNA position 676, G replaced by A.
Protein change: p.Ala226Thr; replaces alanine 226 with threonine.
Molecular consequence: missense variant.
Genome position (GRCh38, 1-based): chr7:107,675,020, G>A. VCF-style: chr7-107675020-G-A. GRCh37 (hg19) VCF-style: chr7-107315465-G-A.
Other names: short protein forms A226T.
Identifiers: ClinVar variation 3381492 (VCV003381492.3).
Genomic context (GRCh38, chr7:107,675,020, plus strand): 5'-TTGCAGATTGGATTCATAGTGAGGTACTTGGCAGATCCTTTGGTTGGTGGCTTCACAACA[G>A]CTGCTGCCTTCCAAGTGCTGGTCTCACAGCTAAAGATTGTCCTCAATGTTTCAACCAAAA-3'
Protein context (NP_000432.1, residues 216-236): ADPLVGGFTT[Ala226Thr]AAFQVLVSQL

ClinVar aggregate classification (germline): Uncertain significance. Review status: criteria provided, multiple submitters, no conflicts (2 of 4 stars). 3 submissions from 3 submitters: Uncertain significance (2). 1 of the submissions does not count toward it. Last evaluated 2024-05-21.

Conditions:
Pendred syndrome (PDS). Also called: Pendred's syndrome; DEAFNESS WITH GOITER; GOITER-DEAFNESS SYNDROME; HYPOTHYROIDISM, CONGENITAL, DUE TO DYSHORMONOGENESIS, 2B; THYROID DYSHORMONOGENESIS 2B; THYROID HORMONOGENESIS, GENETIC DEFECT IN, 2B. Identifiers: Orphanet 705, MedGen C0271829, MONDO:0010134, OMIM 274600.

Submissions (3):

GeneDx
Classification: Uncertain significance. Last evaluated: 2024-05-21. Review status: criteria provided, single submitter. Criteria: GeneDx Variant Classification Process June 2021. Collection method: clinical testing. Allele origin: germline. Affected: yes.
Comment: Not observed at significant frequency in large population cohorts (gnomAD); In silico analysis supports that this missense variant has a deleterious effect on protein structure/function; Has not been previously published as pathogenic or benign to our knowledge

Blueprint Genetics
Classification: Uncertain significance. Last evaluated: 2021-11-19. Review status: criteria provided, single submitter. Criteria: ACMG Guidelines, 2015. Collection method: clinical testing. Allele origin: germline.

Natera, Inc.
Classification: Uncertain significance for Pendred syndrome. Last evaluated: 2025-04-25. Review status: no assertion criteria provided. Collection method: clinical testing. Allele origin: germline. Not counted in ClinVar's aggregate classification.